The following is an entry in ClinVar:

ClinVar aggregate classification (germline): Uncertain significance (1 of 4 stars; one submission).

Allele frequency attached by ClinVar (database versions not stated): ExAC 0.00001.

Submission:

Labcorp Genetics (formerly Invitae), Labcorp
Classification: Uncertain significance. Last evaluated: 2022-08-08. Review status: criteria provided, single submitter. Criteria: Invitae Variant Classification Sherloc (09022015). Collection method: clinical testing. Allele origin: germline.
Comment: This variant has not been reported in the literature in individuals affected with CYP4V2-related conditions. This sequence change replaces methionine, which is neutral and non-polar, with threonine, which is neutral and polar, at codon 226 of the CYP4V2 protein (p.Met226Thr). This variant is present in population databases (rs779872570, gnomAD 0.0009%). ClinVar contains an entry for this variant (Variation ID: 1508035). Algorithms developed to predict the effect of missense changes on protein structure and function (SIFT, PolyPhen-2, Align-GVGD) all suggest that this variant is likely to be disruptive. In summary, the available evidence is currently insufficient to determine the role of this variant in disease. Therefore, it has been classified as a Variant of Uncertain Significance.

NM_207352.4(CYP4V2):c.677T>C (p.Met226Thr)

Gene: CYP4V2 (cytochrome P450 family 4 subfamily V member 2; plus strand). Cytogenetic location: 4q35.1.
Variant type: single nucleotide variant.
Coding change: c.677T>C on transcript NM_207352.4 (MANE Select); coding-DNA position 677, T replaced by C.
Protein change: p.Met226Thr; replaces methionine 226 with threonine.
Molecular consequence: missense variant.
Genome position (GRCh38, 1-based): chr4:186,198,959, T>C. VCF-style: chr4-186198959-T-C. GRCh37 (hg19) VCF-style: chr4-187120113-T-C.
Other names: short protein forms M226T.
Identifiers: ClinVar variation 1508035 (VCV001508035.6), dbSNP rs779872570, ClinGen allele CA3162633.